The following is an entry in ClinVar:

ClinVar aggregate classification (germline): Uncertain significance (1 of 4 stars; one submission).

Submission:

GeneDx
Classification: Uncertain significance. Last evaluated: 2024-06-21. Review status: criteria provided, single submitter. Criteria: GeneDx Variant Classification Process June 2021. Collection method: clinical testing. Allele origin: germline.
Comment: Not observed at significant frequency in large population cohorts (gnomAD); In silico analysis supports that this missense variant has a deleterious effect on protein structure/function; Has not been previously published as pathogenic or benign to our knowledge

NM_018896.5(CACNA1G):c.2003C>T (p.Pro668Leu)

Gene: CACNA1G (calcium voltage-gated channel subunit alpha1 G; plus strand). Cytogenetic location: 17q21.33.
Variant type: single nucleotide variant.
Coding change: c.2003C>T on transcript NM_018896.5 (MANE Select); coding-DNA position 2003, C replaced by T.
Protein change: p.Pro668Leu; replaces proline 668 with leucine.
Molecular consequence: missense variant. On other transcripts: non-coding transcript variant (5).
Genome position (GRCh38, 1-based): chr17:50,578,266, C>T. VCF-style: chr17-50578266-C-T. GRCh37 (hg19) VCF-style: chr17-48655627-C-T.
Other names: c.2003C>T, p.Pro668Leu (NM_001256324.2, NM_001256325.2, NM_001256326.2 and 24 more transcripts); short protein forms P668L.
Identifiers: ClinVar variation 2580511 (VCV002580511.2), dbSNP rs2544932377, ClinGen allele CA400242714.